The following is an entry in ClinVar:

ClinVar aggregate classification (germline): Likely benign (1 of 4 stars; one submission).

gnomAD v4.1: 66 of 1,614,072 alleles (0.0041%); highest among the groups gnomAD compares: Non-Finnish European, 0.0056%; no homozygotes.

Submission:

CeGaT Center for Human Genetics Tuebingen
Classification: Likely benign. Last evaluated: 2025-04-01. Review status: criteria provided, single submitter. Criteria: CeGaT Center For Human Genetics Tuebingen Variant Classification Criteria Version 2. Collection method: clinical testing. Allele origin: germline. Affected: yes. Observed: 1 variant allele.
Comment: UFSP2: BP4, BP7

NM_018359.5(UFSP2):c.876G>A (p.Gln292=)

Gene: UFSP2 (UFM1 specific peptidase 2; minus strand). Cytogenetic location: 4q35.1.
Variant type: single nucleotide variant.
Coding change: c.876G>A on transcript NM_018359.5 (MANE Select); coding-DNA position 876, G replaced by A.
Protein change: p.Gln292=; no amino-acid change (glutamine 292 retained).
Molecular consequence: synonymous variant. On other transcripts: non-coding transcript variant (2).
Genome position (GRCh38, 1-based): chr4:185,408,391, C>T on the plus strand (G>A on the coding strand, the complement: UFSP2 is on the minus strand). VCF-style: chr4-185408391-C-T. GRCh37 (hg19) VCF-style: chr4-186329545-C-T.
Identifiers: ClinVar variation 3898346 (VCV003898346.7).